The following is an entry in ClinVar:

NM_024120.5(NDUFAF5):c.264-3dup

Gene: NDUFAF5 (NADH:ubiquinone oxidoreductase complex assembly factor 5; plus strand). Cytogenetic location: 20p12.1.
Variant type: Duplication.
Coding change: c.264-3dup on transcript NM_024120.5 (MANE Select); 3 bases into the intron before coding-DNA position 264, one base duplicated (T; older notation c.264-3dupT).
Molecular consequence: intron variant.
Genome position (GRCh38, 1-based): chr20:13,788,586, T duplicated; the last of 9 consecutive T bases (chr20:13,788,578-13,788,586); duplicating any one gives the same sequence. VCF-style (leftmost placement, unchanged base first): chr20-13788577-C-CT. GRCh37 (hg19) VCF-style: chr20-13769223-C-CT.
Other names: c.-298-3dup (NM_001352407.2); c.-318-3dup (NM_001352406.2); c.264-3dup (NM_001039375.3, NM_001352408.2); c.-104-3dup (NM_001352403.2); c.264-3dupT (NM_024120.5, NM_024120.4).
Identifiers: ClinVar variation 377336 (VCV000377336.17), dbSNP rs751750631, ClinGen allele CA9767688.

ClinVar aggregate classification (germline): Conflicting classifications of pathogenicity. Review status: criteria provided, conflicting classifications (1 of 4 stars). 5 submissions from 5 submitters: Uncertain significance (2); Benign (1); Likely benign (2). Last evaluated 2026-01-05.

Conditions:
Inborn genetic diseases. Identifiers: MedGen C0950123, MeSH D030342.

Submissions (5):

Labcorp Genetics (formerly Invitae), Labcorp
Classification: Benign. Last evaluated: 2026-01-05. Review status: criteria provided, single submitter. Criteria: Invitae Variant Classification Sherloc (09022015). Collection method: clinical testing. Allele origin: germline.

Ambry Genetics
Classification: Likely benign for Inborn genetic diseases. Last evaluated: 2025-06-09. Review status: criteria provided, single submitter. Criteria: Ambry Variant Classification Scheme 2023. Collection method: clinical testing. Allele origin: germline.

Women's Health and Genetics/Laboratory Corporation of America, LabCorp
Classification: Uncertain significance. Last evaluated: 2025-02-05. Review status: criteria provided, single submitter. Criteria: LabCorp Variant Classification Summary - May 2015. Collection method: clinical testing. Allele origin: germline.
Comment: Variant summary: NDUFAF5 c.264-3dupT alters a conserved nucleotide located close to a canonical splice site and therefore could affect mRNA splicing, leading to a significantly altered protein sequence. Consensus agreement among computation tools predict no significant impact on normal splicing. However, these predictions have yet to be confirmed by functional studies. The frequency data for this variant in gnomAD is considered unreliable, as metrics indicate poor data quality at this position. To our knowledge, no occurrence of c.264-3dupT in individuals affected with Leigh Syndrome and no experimental evidence demonstrating its impact on protein function have been reported. ClinVar contains an entry for this variant (Variation ID: 377336). Based on the evidence outlined above, the variant was classified as uncertain significance.

GeneDx
Classification: Likely benign. Last evaluated: 2022-11-07. Review status: criteria provided, single submitter. Criteria: GeneDx Variant Classification Process June 2021. Collection method: clinical testing. Allele origin: germline. Affected: yes.
Comment: See Variant Classification Assertion Criteria.

Center for Pediatric Genomic Medicine, Children's Mercy Hospital and Clinics
Classification: Uncertain significance. Last evaluated: 2016-09-08. Review status: criteria provided, single submitter. Criteria: ACMG Guidelines, 2015. Collection method: clinical testing. Allele origin: germline.
ClinVar note: Converted during submission from Uncertain Significance to Uncertain significance.